The following is an entry in ClinVar:

NM_001378454.1(ALMS1):c.36GGA[7] (p.Glu23_Glu28del)

Gene: ALMS1 (ALMS1 centrosome and basal body associated protein; plus strand). Cytogenetic location: 2p13.1.
Variant type: Microsatellite.
Coding change: c.36GGA[7] on transcript NM_001378454.1 (MANE Select); seven copies in a row of the 3-base unit GGA starting at c.36; the reference has 13 copies in a row; six copies, 18 bases deleted; also written c.57_74del.
Protein change: p.Glu23_Glu28del.
Molecular consequence: inframe deletion.
Genome position (GRCh38, 1-based): chr2:73,385,925-73,385,942, GGAGGAGGAGGAGGAGGA deleted; deleting any 18 consecutive bases within chr2:73,385,904-73,385,942 gives the same sequence; the position shown is the placement nearest the transcript's 3' end. VCF-style (leftmost placement, unchanged base first): chr2-73385903-TGGAGGAGGAGGAGGAGGA-T. GRCh37 (hg19) VCF-style: chr2-73613031-TGGAGGAGGAGGAGGAGGA-T.
Other names: c.36GGA[8], p.Glu24_Glu29del (NM_015120.4); c.54_74del21 (NM_015120.4); c.57_77del (NM_015120.4); c.57_74del (NM_001378454.1).
Identifiers: ClinVar variation 1676370 (VCV001676370.9), dbSNP rs55889738, ClinGen allele CA10582099.

ClinVar aggregate classification (germline): Conflicting classifications of pathogenicity. Review status: criteria provided, conflicting classifications (1 of 4 stars). 5 submissions from 5 submitters: Uncertain significance (2); Likely benign (2). 1 of the submissions does not count toward it. Last evaluated 2025-12-02.

Conditions:
Retinal dystrophy. Also called: Inherited retinal dystrophy. Identifiers: Orphanet 71862, MedGen C0854723, MeSH D058499, MONDO:0019118, HP:0000556.
ALMS1-related disorder. Also called: ALMS1-related condition.

Submissions (5):

GeneDx
Classification: Uncertain significance. Last evaluated: 2025-12-02. Review status: criteria provided, single submitter. Criteria: GeneDx Variant Classification Process June 2021. Collection method: clinical testing. Allele origin: germline. Affected: yes.
Comment: Not observed at significant frequency in large population cohorts (gnomAD); Has not been previously published as pathogenic or benign to our knowledge; In silico analysis suggests that this variant does not alter protein structure/function; In-frame deletion of 7 amino acids in a repetitive region with no known function

PreventionGenetics, part of Exact Sciences
Classification: Uncertain significance for ALMS1-related condition. Last evaluated: 2025-10-27. Review status: criteria provided, single submitter. Criteria: ACMG Guidelines, 2015. Collection method: clinical testing. Allele origin: germline.
Comment: The ALMS1 c.54_74del21 variant is predicted to result in an in-frame deletion (p.Glu22_Glu28del). To our knowledge, this variant has not been reported in the literature or public population databases. We suspect this change is more likely to be benign due to numerous overlapping in-frame insertion and deletion variants, including a p.Glu24_Glu28del that is documented in 8 homozygous individuals and up to 4% allele frequency in the gnomAD database. However, at this time, the clinical significance of this variant remains uncertain due to the absence of conclusive functional and genetic evidence.

Laboratory of Genetics, Children's Clinical University Hospital Latvia
Classification: Likely benign. Last evaluated: 2025-02-16. Review status: criteria provided, single submitter. Criteria: ACMG Guidelines, 2015. Collection method: clinical testing. Allele origin: germline. Affected: yes.

Blueprint Genetics
Classification: Likely benign. Last evaluated: 2024-11-25. Review status: criteria provided, single submitter. Criteria: ACMG Guidelines, 2015. Collection method: clinical testing. Allele origin: germline.

Institute of Human Genetics, Univ. Regensburg, Univ. Regensburg
Classification: Uncertain significance for Retinal dystrophy. Last evaluated: 2022-01-01. Review status: no assertion criteria provided. Criteria: ACMG Guidelines, 2015. Collection method: clinical testing. Allele origin: germline. Affected: yes. Not counted in ClinVar's aggregate classification.